The following is an entry in ClinVar:

ClinVar aggregate classification (germline): Uncertain significance. Review status: criteria provided, multiple submitters, no conflicts (2 of 4 stars). 2 submissions from 2 submitters: Uncertain significance (2). Last evaluated 2024-04-01.

Conditions:
Proteinuria, chronic benign. Identifiers: MedGen C5394384, MONDO:0030042, OMIM 618884.
Imerslund-Grasbeck syndrome type 1 (IGS1). Also called: Imerslund-Gräsbeck syndrome 1; Megaloblastic anemia 1, Finnish type; MEGALOBLASTIC ANEMIA, 1. Identifiers: MedGen C4016819, MONDO:0100156, OMIM 261100.
Imerslund-Grasbeck syndrome. Also called: PERNICIOUS ANEMIA, JUVENILE, DUE TO SELECTIVE INTESTINAL MALABSORPTION OF VITAMIN B12, WITH PROTEINURIA; Megaloblastic anemia due to inborn errors of metabolism; ENTEROCYTE COBALAMIN MALABSORPTION; ENTEROCYTE INTRINSIC FACTOR RECEPTOR, DEFECT OF; Imerslund-Gräsbeck syndrome. Identifiers: Orphanet 35858, MedGen C4551825, MONDO:0009853.

Allele frequency attached by ClinVar (database versions not stated): TOPMed 0.00001; gnomAD 0.00001.
gnomAD v4.1: 2 of 1,614,050 alleles (0.00012%); highest among the groups gnomAD compares: Admixed American, 0.0017%; no homozygotes.

Submissions (2):

Labcorp Genetics (formerly Invitae), Labcorp
Classification: Uncertain significance for Imerslund-Grasbeck syndrome. Last evaluated: 2024-04-01. Review status: criteria provided, single submitter. Criteria: Invitae Variant Classification Sherloc (09022015). Collection method: clinical testing. Allele origin: germline.
Comment: This sequence change replaces asparagine, which is neutral and polar, with serine, which is neutral and polar, at codon 3176 of the CUBN protein (p.Asn3176Ser). This variant is not present in population databases (gnomAD no frequency). This variant has not been reported in the literature in individuals affected with CUBN-related conditions. ClinVar contains an entry for this variant (Variation ID: 1501240). Advanced modeling of protein sequence and biophysical properties (such as structural, functional, and spatial information, amino acid conservation, physicochemical variation, residue mobility, and thermodynamic stability) performed at Invitae indicates that this missense variant is not expected to disrupt CUBN protein function with a negative predictive value of 80%. In summary, the available evidence is currently insufficient to determine the role of this variant in disease. Therefore, it has been classified as a Variant of Uncertain Significance.

Fulgent Genetics
Classification: Uncertain significance for Imerslund-Grasbeck syndrome type 1; Proteinuria, chronic benign. Last evaluated: 2021-12-03. Review status: criteria provided, single submitter. Criteria: ACMG Guidelines, 2015. Collection method: clinical testing. Allele origin: unknown.

NM_001081.4(CUBN):c.9527A>G (p.Asn3176Ser)

Gene: CUBN (cubilin; minus strand). Cytogenetic location: 10p13.
Variant type: single nucleotide variant.
Coding change: c.9527A>G on transcript NM_001081.4 (MANE Select); coding-DNA position 9527, A replaced by G.
Protein change: p.Asn3176Ser; replaces asparagine 3176 with serine.
Molecular consequence: missense variant.
Genome position (GRCh38, 1-based): chr10:16,851,371, T>C on the plus strand (A>G on the coding strand, the complement: CUBN is on the minus strand). VCF-style: chr10-16851371-T-C. GRCh37 (hg19) VCF-style: chr10-16893370-T-C.
Other names: short protein forms N3176S.
Identifiers: ClinVar variation 1501240 (VCV001501240.7), dbSNP rs750045664, ClinGen allele CA376125077.